The following is an entry in ClinVar:

ClinVar aggregate classification (germline): Uncertain significance (1 of 4 stars; one submission).

Allele frequency attached by ClinVar (database versions not stated): gnomAD 0.00001; gnomAD exomes 0.00001; ExAC 0.00002; ESP Exome Variant Server 0.00009.

Submission:

Labcorp Genetics (formerly Invitae), Labcorp
Classification: Uncertain significance. Last evaluated: 2024-10-30. Review status: criteria provided, single submitter. Criteria: Invitae Variant Classification Sherloc (09022015). Collection method: clinical testing. Allele origin: germline.
Comment: This sequence change replaces methionine, which is neutral and non-polar, with arginine, which is basic and polar, at codon 1335 of the NEXMIF protein (p.Met1335Arg). This variant is present in population databases (rs374471570, gnomAD 0.003%), including at least one homozygous and/or hemizygous individual. This variant has not been reported in the literature in individuals affected with NEXMIF-related conditions. ClinVar contains an entry for this variant (Variation ID: 1504381). An algorithm developed to predict the effect of missense changes on protein structure and function (PolyPhen-2) suggests that this variant is likely to be disruptive. In summary, the available evidence is currently insufficient to determine the role of this variant in disease. Therefore, it has been classified as a Variant of Uncertain Significance.

NM_001008537.3(NEXMIF):c.4004T>G (p.Met1335Arg)

Gene: NEXMIF (neurite extension and migration factor; minus strand). Cytogenetic location: Xq13.3.
Variant type: single nucleotide variant.
Coding change: c.4004T>G on transcript NM_001008537.3 (MANE Select); coding-DNA position 4004, T replaced by G.
Protein change: p.Met1335Arg; replaces methionine 1335 with arginine.
Molecular consequence: missense variant.
Genome position (GRCh38, 1-based): chrX:74,740,553, A>C on the plus strand (T>G on the coding strand, the complement: NEXMIF is on the minus strand). VCF-style: chrX-74740553-A-C. GRCh37 (hg19) VCF-style: chrX-73960388-A-C.
Other names: short protein forms M1335R.
Identifiers: ClinVar variation 1504381 (VCV001504381.8), dbSNP rs374471570, ClinGen allele CA10454887.